The following is an entry in ClinVar:

NM_001130009.3(GEN1):c.869A>T (p.His290Leu)

Gene: GEN1 (GEN1 structure-specific endonuclease; plus strand). Cytogenetic location: 2p24.2.
Variant type: single nucleotide variant.
Coding change: c.869A>T on transcript NM_001130009.3 (MANE Select); coding-DNA position 869, A replaced by T.
Protein change: p.His290Leu; replaces histidine 290 with leucine.
Molecular consequence: missense variant.
Genome position (GRCh38, 1-based): chr2:17,772,700, A>T. VCF-style: chr2-17772700-A-T. GRCh37 (hg19) VCF-style: chr2-17953967-A-T.
Other names: c.869A>T, p.His290Leu (NM_182625.5); short protein forms H290L.
Identifiers: ClinVar variation 4857968 (VCV004857968.1).
Genomic context (GRCh38, chr2:17,772,700, plus strand): 5'-CTAAGGATCATGAACGTAATGGATGCAGATTATGTAAAAGTGATAAATATTGTGAGCCAC[A>T]TGACTATGAATACTGCTGTCCTTGTGAGTGGCACCGTACAGAACATGATAGGCAACTCAG-3'
Protein context (NP_001123481.3, residues 280-300): LCKSDKYCEP[His290Leu]DYEYCCPCEW

ClinVar aggregate classification (germline): Uncertain significance (1 of 4 stars; one submission).

gnomAD v4.1: 2 of 1,612,348 alleles (0.00012%); highest among the groups gnomAD compares: Middle Eastern, 0.017%; no homozygotes.

Submission:

Ambry Genetics
Classification: Uncertain significance. Last evaluated: 2026-05-02. Review status: criteria provided, single submitter. Criteria: Ambry Variant Classification Scheme 2023. Collection method: clinical testing. Allele origin: germline.
Comment: The p.H290L variant (also known as c.869A>T), located in coding exon 7 of the GEN1 gene, results from an A to T substitution at nucleotide position 869. The histidine at codon 290 is replaced by leucine, an amino acid with similar properties. This amino acid position is conserved. In addition, this alteration is predicted to be tolerated by in silico analysis. Based on the available evidence, the clinical significance of this variant remains unclear.